The following is an entry in ClinVar:

NM_004304.5(ALK):c.4086G>A (p.Met1362Ile)

Gene: ALK (ALK receptor tyrosine kinase; minus strand). Cytogenetic location: 2p23.2.
Variant type: single nucleotide variant.
Coding change: c.4086G>A on transcript NM_004304.5 (MANE Select); coding-DNA position 4086, G replaced by A.
Protein change: p.Met1362Ile; replaces methionine 1362 with isoleucine.
Molecular consequence: missense variant.
Genome position (GRCh38, 1-based): chr2:29,196,848, C>T on the plus strand (G>A on the coding strand, the complement: ALK is on the minus strand). VCF-style: chr2-29196848-C-T. GRCh37 (hg19) VCF-style: chr2-29419714-C-T.
Other names: c.882G>A, p.Met294Ile (NM_001353765.2); short protein forms M294I, M1362I.
Identifiers: ClinVar variation 3285823 (VCV003285823.1).
Genomic context (GRCh38, chr2:29,196,848, plus strand): 5'-CCTCTCCAAAATGATGGCAAAGTTGGGCCTGTCTTCAGGCTGATGTTGCCAGCACTGAGT[C>T]ATTATCCGGTATCTAAAAGAAGAAGCACATTAATTAAAATAAGGAGAAGCACAATGATGA-3'
Protein context (NP_004295.2, residues 1352-1372): KNCPGPVYRI[Met1362Ile]TQCWQHQPED

ClinVar aggregate classification (germline): Uncertain significance (1 of 4 stars; one submission).

Conditions:
Hereditary cancer-predisposing syndrome. Also called: Tumor predisposition; Hereditary Cancer Syndrome; Hereditary neoplastic syndrome; Neoplastic Syndromes, Hereditary. Identifiers: Orphanet 140162, MedGen C0027672, MeSH D009386, MONDO:0015356.

Submission:

Ambry Genetics
Classification: Uncertain significance for Hereditary cancer-predisposing syndrome. Last evaluated: 2024-04-07. Review status: criteria provided, single submitter. Criteria: Ambry Variant Classification Scheme 2023. Collection method: clinical testing. Allele origin: germline.
Comment: The p.M1362I variant (also known as c.4086G>A), located in coding exon 28 of the ALK gene, results from a G to A substitution at nucleotide position 4086. The methionine at codon 1362 is replaced by isoleucine, an amino acid with highly similar properties. This amino acid position is conserved. In addition, this alteration is predicted to be deleterious by in silico analysis. Based on the available evidence, the clinical significance of this variant remains unclear.